The following is an entry in ClinVar:

ClinVar aggregate classification (germline): Uncertain significance (0 of 4 stars; one submission).

Conditions:
Prostate cancer. Also called: Malignant tumor of prostate. Identifiers: Orphanet 1331, MedGen C0376358, MONDO:0008315, HP:0012125.

Submission:

Science for Life laboratory,  Karolinska Institutet
Classification: Uncertain significance for Malignant tumor of prostate. Review status: no assertion criteria provided. Collection method: not provided. Allele origin: somatic.
Comment: TumorID:SWE-2
ClinVar note: Converted during submission from Unknown to Uncertain significance.

NM_020904.3(PLEKHA4):c.20_28del (p.Arg7_Ser9del)

Gene: PLEKHA4 (pleckstrin homology domain containing A4; minus strand). Cytogenetic location: 19q13.33.
Variant type: Deletion.
Coding change: c.20_28del on transcript NM_020904.3 (MANE Select); coding-DNA positions 20 to 28, 9 bases deleted (GCAGCAGCC; older notation c.20_28delGCAGCAGCC).
Protein change: p.Arg7_Ser9del.
Molecular consequence: inframe deletion.
Genome position (GRCh38, 1-based): chr19:48,867,593-48,867,601, GGCTGCTGC deleted on the plus strand (GCAGCAGCC on the coding strand, the reverse complement: PLEKHA4 is on the minus strand); deleting any 9 consecutive bases within chr19:48,867,593-48,867,602 gives the same sequence; the c. name uses the placement nearest the transcript's 3' end. VCF-style (leftmost placement, unchanged base first): chr19-48867592-AGGCTGCTGC-A. GRCh37 (hg19) VCF-style: chr19-49370849-AGGCTGCTGC-A.
Other names: c.20_28del, p.Arg7_Ser9del (NM_001161354.2).
Identifiers: ClinVar variation 161541 (VCV000161541.2), dbSNP rs193920946, ClinGen allele CA025014.